The following is an entry in ClinVar:

NM_000718.4(CACNA1B):c.2206C>T (p.Gln736Ter)

Gene: CACNA1B (calcium voltage-gated channel subunit alpha1 B; plus strand). Cytogenetic location: 9q34.3.
Variant type: single nucleotide variant.
Coding change: c.2206C>T on transcript NM_000718.4 (MANE Select); coding-DNA position 2206, C replaced by T.
Protein change: p.Gln736Ter; replaces glutamine 736 with a stop codon.
Molecular consequence: nonsense.
Genome position (GRCh38, 1-based): chr9:138,013,174, C>T. VCF-style: chr9-138013174-C-T. GRCh37 (hg19) VCF-style: chr9-140907626-C-T.
Other names: c.2206C>T, p.Gln736Ter (NM_001243812.2); short protein forms Q736*.
Identifiers: ClinVar variation 4806379 (VCV004806379.1).

ClinVar aggregate classification (germline): Pathogenic (1 of 4 stars; one submission).

Submission:

Labcorp Genetics (formerly Invitae), Labcorp
Classification: Pathogenic. Last evaluated: 2025-12-26. Review status: criteria provided, single submitter. Criteria: Invitae Variant Classification Sherloc (09022015). Collection method: clinical testing. Allele origin: germline.
Comment: This sequence change creates a premature translational stop signal (p.Gln736*) in the CACNA1B gene. It is expected to result in an absent or disrupted protein product. Loss-of-function variants in CACNA1B are known to be pathogenic (PMID: 30982612). This variant is not present in population databases (gnomAD no frequency). This variant has not been reported in the literature in individuals affected with CACNA1B-related conditions. For these reasons, this variant has been classified as Pathogenic.

Literature cited by the submitters: PubMed 30982612.